The following is an entry in ClinVar:

NM_138387.4(G6PC3):c.995T>C (p.Val332Ala)

Gene: G6PC3 (glucose-6-phosphatase catalytic subunit 3; plus strand). Cytogenetic location: 17q21.31.
Variant type: single nucleotide variant.
Coding change: c.995T>C on transcript NM_138387.4 (MANE Select); coding-DNA position 995, T replaced by C.
Protein change: p.Val332Ala; replaces valine 332 with alanine.
Molecular consequence: missense variant. On other transcripts: 3 prime UTR variant (1).
Genome position (GRCh38, 1-based): chr17:44,075,997, T>C. VCF-style: chr17-44075997-T-C. GRCh37 (hg19) VCF-style: chr17-42153365-T-C.
Other names: c.*288T>C (NM_001319945.2); c.650T>C, p.Val217Ala (NM_001384165.1, NM_001384166.1, NM_001384167.1 and 1 more transcripts); short protein forms V217A, V332A.
Identifiers: ClinVar variation 4825571 (VCV004825571.1).

ClinVar aggregate classification (germline): Uncertain significance (1 of 4 stars; one submission).

Conditions:
Inborn genetic diseases. Identifiers: MedGen C0950123, MeSH D030342.

gnomAD v4.1: 1 of 1,613,136 alleles (0.000062%); highest among the groups gnomAD compares: African/African-American, 0.0013%; no homozygotes.

Submission:

Ambry Genetics
Classification: Uncertain significance for Inborn genetic diseases. Last evaluated: 2026-01-25. Review status: criteria provided, single submitter. Criteria: Ambry Variant Classification Scheme 2023. Collection method: clinical testing. Allele origin: germline.
Comment: The p.V332A variant (also known as c.995T>C), located in coding exon 6 of the G6PC3 gene, results from a T to C substitution at nucleotide position 995. The valine at codon 332 is replaced by alanine, an amino acid with similar properties. This amino acid position is conserved. In addition, the in silico prediction for this alteration is inconclusive. Based on the available evidence, the clinical significance of this variant remains unclear.